The following is an entry in ClinVar:

NM_004260.4(RECQL4):c.763A>G (p.Ser255Gly)

Gene: RECQL4 (RecQ like helicase 4; minus strand). Cytogenetic location: 8q24.3.
Variant type: single nucleotide variant.
Coding change: c.763A>G on transcript NM_004260.4 (MANE Select); coding-DNA position 763, A replaced by G.
Protein change: p.Ser255Gly; replaces serine 255 with glycine.
Molecular consequence: missense variant.
Genome position (GRCh38, 1-based): chr8:144,516,356, T>C on the plus strand (A>G on the coding strand, the complement: RECQL4 is on the minus strand). VCF-style: chr8-144516356-T-C. GRCh37 (hg19) VCF-style: chr8-145741740-T-C.
Other names: c.763A>G, p.Ser255Gly (NM_001413017.1, NM_001413018.1, NM_001413019.1 and 4 more transcripts); c.-309A>G (NM_001413021.1, NM_001413022.1, NM_001413023.1 and 7 more transcripts); c.634A>G, p.Ser212Gly (NM_001413025.1); c.-371A>G (NM_001413027.1, NM_001413030.1, NM_001413031.1 and 2 more transcripts); c.412A>G, p.Ser138Gly (NM_001413029.1); c.-213A>G (NM_001413034.1); c.-578A>G (NM_001413043.1); short protein forms S138G, S255G, S212G.
Identifiers: ClinVar variation 2196751 (VCV002196751.4), dbSNP rs2538090681, ClinGen allele CA372689346.
Genomic context (GRCh38, chr8:144,516,356, plus strand): 5'-CCTGTGCGGGGCTCTCCCAGGGCTCCTCGTTCCATCTCCGCTTCTCGCCTCCACTGCTGC[T>C]GGGCTGGGGGCTCCCCACACGGATGCTGACTTCTTGGAAGGCTGAAGCCTCTGGGCCCTG-3'
Protein context (NP_004251.4, residues 245-265): VSIRVGSPQP[Ser255Gly]SSGGEKRRWN

ClinVar aggregate classification (germline): Uncertain significance (1 of 4 stars; one submission).

Conditions:
Baller-Gerold syndrome (BGS). Also called: CRANIOSYNOSTOSIS WITH RADIAL DEFECTS. Identifiers: Orphanet 1225, MedGen C0265308, MONDO:0009039, OMIM 218600.

Submission:

Labcorp Genetics (formerly Invitae), Labcorp
Classification: Uncertain significance for Baller-Gerold syndrome. Last evaluated: 2025-02-26. Review status: criteria provided, single submitter. Criteria: Invitae Variant Classification Sherloc (09022015). Collection method: clinical testing. Allele origin: germline.
Comment: This sequence change replaces serine, which is neutral and polar, with glycine, which is neutral and non-polar, at codon 255 of the RECQL4 protein (p.Ser255Gly). This variant is not present in population databases (gnomAD no frequency). This variant has not been reported in the literature in individuals affected with RECQL4-related conditions. ClinVar contains an entry for this variant (Variation ID: 2196751). Invitae Evidence Modeling of protein sequence and biophysical properties (such as structural, functional, and spatial information, amino acid conservation, physicochemical variation, residue mobility, and thermodynamic stability) indicates that this missense variant is not expected to disrupt RECQL4 protein function with a negative predictive value of 80%. In summary, the available evidence is currently insufficient to determine the role of this variant in disease. Therefore, it has been classified as a Variant of Uncertain Significance.